The following is an entry in ClinVar:

ClinVar aggregate classification (germline): Conflicting classifications of pathogenicity. Review status: criteria provided, conflicting classifications (1 of 4 stars). 7 submissions from 7 submitters: Uncertain significance (6); Benign (1). Last evaluated 2026-01-13.

Conditions:
Hereditary cancer-predisposing syndrome. Also called: Hereditary Cancer Syndrome; Hereditary neoplastic syndrome; Tumor predisposition; Neoplastic Syndromes, Hereditary. Identifiers: Orphanet 140162, MedGen C0027672, MeSH D009386, MONDO:0015356.
Familial medullary thyroid carcinoma (MTC). Also called: Familial Medullary Thyroid Carcinoma (FMTC); Thyroid cancer, familial medullary; MTC, familial. Identifiers: Orphanet 653, Orphanet 99361, MedGen C1833921, MONDO:0007958, OMIM 155240.
Pheochromocytoma. Also called: MAX-Related Hereditary Paraganglioma-Pheochromocytoma Syndrome. Identifiers: Orphanet 29072, MedGen C0031511, MONDO:0008233, OMIM 171300, HP:0002666.
Multiple endocrine neoplasia type 2A. Also called: Multiple Endocrine Neoplasia Type 2A (MEN2A); MULTIPLE ENDOCRINE NEOPLASIA, TYPE IIA; PTC SYNDROME; SIPPLE SYNDROME; MEN 2A; MEN-2A syndrome. Identifiers: Orphanet 247698, Orphanet 653, MedGen C0025268, MeSH D018813, MONDO:0008234, OMIM 171400.
Hirschsprung disease, susceptibility to, 1 (HSCR1). Also called: RET-Related Hirschsprung Disease. Identifiers: Orphanet 388, MedGen C3888239, MONDO:0007723, OMIM 142623.
Multiple endocrine neoplasia type 2B. Also called: WAGENMANN-FROBOESE SYNDROME; MULTIPLE ENDOCRINE NEOPLASIA, TYPE III; MUCOSAL NEUROMA SYNDROME; Multiple Endocrine Neoplasia Type 2B (MEN2B); Multiple endocrine neoplasia, type 3; MULTIPLE ENDOCRINE NEOPLASIA, TYPE IIB. Identifiers: Orphanet 247709, Orphanet 653, MedGen C0025269, MeSH D018814, MONDO:0008082, OMIM 162300.
RET-related disorder. Also called: RET-related disorders; RET-related condition; RET-related disease.
Multiple endocrine neoplasia, type 2 (MEN2). Identifiers: Orphanet 653, MedGen C4048306, MONDO:0019003. Disease mechanism: gain of function.

Allele frequency attached by ClinVar (database versions not stated): 1000 Genomes Project 0.00020; ExAC 0.00002; gnomAD exomes 0.00002; TOPMed 0.00004; gnomAD 0.00005; 1000 Genomes Project 30x 0.00016.
gnomAD v4.1: 32 of 1,614,080 alleles (0.002%); highest among the groups gnomAD compares: Middle Eastern, 0.05%; no homozygotes.

Submissions (7):

Labcorp Genetics (formerly Invitae), Labcorp
Classification: Uncertain significance for Multiple endocrine neoplasia, type 2. Last evaluated: 2026-01-13. Review status: criteria provided, single submitter. Criteria: Invitae Variant Classification Sherloc (09022015). Collection method: clinical testing. Allele origin: germline.
Comment: This sequence change replaces alanine, which is neutral and non-polar, with valine, which is neutral and non-polar, at codon 1020 of the RET protein (p.Ala1020Val). This variant is present in population databases (rs372191563, gnomAD 0.004%). This variant has not been reported in the literature in individuals affected with RET-related conditions. ClinVar contains an entry for this variant (Variation ID: 477363). An algorithm developed to predict the effect of missense changes on protein structure and function (PolyPhen-2) suggests that this variant is likely to be tolerated. In summary, the available evidence is currently insufficient to determine the role of this variant in disease. Therefore, it has been classified as a Variant of Uncertain Significance.

Quest Diagnostics Nichols Institute San Juan Capistrano
Classification: Uncertain significance. Last evaluated: 2025-10-09. Review status: criteria provided, single submitter. Criteria: Quest Diagnostics criteria. Collection method: clinical testing. Allele origin: unknown.

PreventionGenetics, part of Exact Sciences
Classification: Uncertain significance for RET-related condition. Last evaluated: 2025-06-16. Review status: criteria provided, single submitter. Criteria: ACMG Guidelines, 2015. Collection method: clinical testing. Allele origin: germline.
Comment: The RET c.3059C>T variant is predicted to result in the amino acid substitution p.Ala1020Val. To our knowledge, this variant has not been reported in the literature. This variant is reported in 0.0029% of alleles in individuals of Latino descent in gnomAD and has interpretations ranging from benign to uncertain in ClinVar. At this time, the clinical significance of this variant is uncertain due to the absence of conclusive functional and genetic evidence.

Ambry Genetics
Classification: Benign for Hereditary cancer-predisposing syndrome. Last evaluated: 2025-03-12. Review status: criteria provided, single submitter. Criteria: Ambry Variant Classification Scheme 2023. Collection method: clinical testing. Allele origin: germline.

All of Us Research Program, National Institutes of Health
Classification: Uncertain significance for Multiple endocrine neoplasia, type 2. Last evaluated: 2024-08-06. Review status: criteria provided, single submitter. Criteria: ACMG Guidelines, 2015. Collection method: clinical testing. Allele origin: germline. Inheritance: Autosomal dominant inheritance. Observed: 9 variant alleles, 9 heterozygotes.
Comment: This missense variant replaces alanine with valine at codon 1020 of the RET protein. Computational prediction suggests that this variant may not impact protein structure and function (internally defined REVEL score threshold <= 0.5, PMID: 27666373). To our knowledge, functional studies have not been reported for this variant. This variant has not been reported in individuals affected with RET-related disorders in the literature. This variant has been identified in 6/251446 chromosomes in the general population by the Genome Aggregation Database (gnomAD). The available evidence is insufficient to determine the role of this variant in disease conclusively. Therefore, this variant is classified as a Variant of Uncertain Significance.

This study involves interpretation of variants in research participants for the purpose of population health screening. Participant phenotype was not available at the time of variant classification. Additional details can be found in publication PMID: 35346344, PMCID: PMC8962531

Fulgent Genetics
Classification: Uncertain significance for Hirschsprung disease, susceptibility to, 1; Familial medullary thyroid carcinoma; Multiple endocrine neoplasia type 2B; Pheochromocytoma; Multiple endocrine neoplasia type 2A. Last evaluated: 2024-05-20. Review status: criteria provided, single submitter. Criteria: ACMG Guidelines, 2015. Collection method: clinical testing. Allele origin: germline.

Baylor Genetics
Classification: Uncertain significance for Hirschsprung disease, susceptibility to, 1. Last evaluated: 2024-03-06. Review status: criteria provided, single submitter. Criteria: ACMG Guidelines, 2015. Collection method: clinical testing. Allele origin: unknown.

NM_020975.6(RET):c.3059C>T (p.Ala1020Val)

Gene: RET (ret proto-oncogene; plus strand). Cytogenetic location: 10q11.21.
Variant type: single nucleotide variant.
Coding change: c.3059C>T on transcript NM_020975.6 (MANE Select); coding-DNA position 3059, C replaced by T.
Protein change: p.Ala1020Val; replaces alanine 1020 with valine.
Molecular consequence: missense variant.
Genome position (GRCh38, 1-based): chr10:43,126,594, C>T. VCF-style: chr10-43126594-C-T. GRCh37 (hg19) VCF-style: chr10-43622042-C-T.
Other names: c.3059C>T, p.Ala1020Val (NM_000323.2, NM_001406743.1, NM_001406744.1 and 4 more transcripts); c.2297C>T, p.Ala766Val (NM_001355216.2); c.2930C>T, p.Ala977Val (NM_001406761.1, NM_001406762.1, NM_001406764.1); c.2621C>T, p.Ala874Val (NM_001406773.1, NM_001406771.1); c.2534C>T, p.Ala845Val (NM_001406774.1); c.2333C>T, p.Ala778Val (NM_001406775.1, NM_001406776.1, NM_001406777.1 and 1 more transcripts); c.2162C>T, p.Ala721Val (NM_001406779.1, NM_001406780.1, NM_001406781.1 and 1 more transcripts); c.1610C>T, p.Ala537Val (NM_001406792.1, NM_001406793.1, NM_001406794.1); and 10 more; short protein forms A1020V, A766V, A625V, A690V, A721V, A845V, A888V, A975V.
Identifiers: ClinVar variation 477363 (VCV000477363.24), dbSNP rs372191563, ClinGen allele CA042456.